The following is an entry in ClinVar:

ClinVar aggregate classification (germline): Uncertain significance (1 of 4 stars; one submission).

gnomAD v4.1: 2 of 1,613,912 alleles (0.00012%); highest among the groups gnomAD compares: Non-Finnish European, 0.00017%; no homozygotes.

Submission:

Ambry Genetics
Classification: Uncertain significance. Last evaluated: 2026-02-16. Review status: criteria provided, single submitter. Criteria: Ambry Variant Classification Scheme 2023. Collection method: clinical testing. Allele origin: germline.
Comment: The p.L201V variant (also known as c.601C>G), located in coding exon 5 of the RINT1 gene, results from a C to G substitution at nucleotide position 601. The leucine at codon 201 is replaced by valine, an amino acid with highly similar properties. This amino acid position is conserved. In addition, this alteration is predicted to be tolerated by in silico analysis. Based on the available evidence, the clinical significance of this variant remains unclear.

NM_021930.6(RINT1):c.601C>G (p.Leu201Val)

Gene: RINT1 (RAD50 interactor 1; plus strand). Cytogenetic location: 7q22.3.
Variant type: single nucleotide variant.
Coding change: c.601C>G on transcript NM_021930.6 (MANE Select); coding-DNA position 601, C replaced by G.
Protein change: p.Leu201Val; replaces leucine 201 with valine.
Molecular consequence: missense variant. On other transcripts: 5 prime UTR variant (2), non-coding transcript variant (1), intron variant (1).
Genome position (GRCh38, 1-based): chr7:105,546,995, C>G. VCF-style: chr7-105546995-C-G. GRCh37 (hg19) VCF-style: chr7-105187442-C-G.
Other names: c.367C>G, p.Leu123Val (NM_001346599.2); c.-419C>G (NM_001346600.2); c.-322C>G (NM_001346601.2); c.-27-3060C>G (NM_001346603.2); short protein forms L123V, L201V.
Identifiers: ClinVar variation 4844523 (VCV004844523.1).